The following is an entry in ClinVar:

ClinVar aggregate classification (germline): Pathogenic (1 of 4 stars; one submission).

Submission:

Labcorp Genetics (formerly Invitae), Labcorp
Classification: Pathogenic. Last evaluated: 2023-10-17. Review status: criteria provided, single submitter. Criteria: Invitae Variant Classification Sherloc (09022015). Collection method: clinical testing. Allele origin: germline.
Comment: This sequence change creates a premature translational stop signal (p.Lys479*) in the C8A gene. It is expected to result in an absent or disrupted protein product. Loss-of-function variants in C8A are known to be pathogenic (PMID: 9759902). This variant is not present in population databases (gnomAD no frequency). This variant has not been reported in the literature in individuals affected with C8A-related conditions. For these reasons, this variant has been classified as Pathogenic.

Literature cited by the submitters: PubMed 9759902.

NM_000562.3(C8A):c.1435A>T (p.Lys479Ter)

Gene: C8A (complement C8 alpha chain; plus strand). Cytogenetic location: 1p32.2.
Variant type: single nucleotide variant.
Coding change: c.1435A>T on transcript NM_000562.3 (MANE Select); coding-DNA position 1435, A replaced by T.
Protein change: p.Lys479Ter; replaces lysine 479 with a stop codon.
Molecular consequence: nonsense.
Genome position (GRCh38, 1-based): chr1:56,912,457, A>T. VCF-style: chr1-56912457-A-T. GRCh37 (hg19) VCF-style: chr1-57378130-A-T.
Other names: short protein forms K479*.
Identifiers: ClinVar variation 3009370 (VCV003009370.3), dbSNP rs2522618803, ClinGen allele CA340516105.
Genomic context (GRCh38, chr1:56,912,457, plus strand): 5'-CCACAGATGCAGCCTATCCACGAGGTGCTGCGGCACACAAGCCTGGGGCCTCTGGAGGCC[A>T]AGCGCCAGAACCTGCGCCGCGCCTTGGACCAGTATCTGATGGAATTCAATGCCTGCCGAT-3'